The following is an entry in ClinVar:

ClinVar aggregate classification (germline): Uncertain significance (1 of 4 stars; one submission).

Conditions:
Cardiovascular phenotype. Identifiers: MedGen CN230736.

gnomAD v4.1: 1 of 1,613,720 alleles (0.000062%); highest among the groups gnomAD compares: Non-Finnish European, 0.000085%; no homozygotes.

Submission:

Ambry Genetics
Classification: Uncertain significance for Cardiovascular phenotype. Last evaluated: 2021-06-30. Review status: criteria provided, single submitter. Criteria: Ambry Variant Classification Scheme 2023. Collection method: clinical testing. Allele origin: germline.
Comment: The p.R571P variant (also known as c.1712G>C), located in coding exon 13 of the CACNB2 gene, results from a G to C substitution at nucleotide position 1712. The arginine at codon 571 is replaced by proline, an amino acid with dissimilar properties. This amino acid position is conserved. In addition, this alteration is predicted to be deleterious by in silico analysis. Since supporting evidence is limited at this time, the clinical significance of this alteration remains unclear.

NM_201596.3(CACNB2):c.1874G>C (p.Arg625Pro)

Gene: CACNB2 (calcium voltage-gated channel auxiliary subunit beta 2; plus strand). Cytogenetic location: 10p12.31.
Variant type: single nucleotide variant.
Coding change: c.1874G>C on transcript NM_201596.3 (MANE Select); coding-DNA position 1874, G replaced by C.
Protein change: p.Arg625Pro; replaces arginine 625 with proline.
Molecular consequence: missense variant.
Genome position (GRCh38, 1-based): chr10:18,539,615, G>C. VCF-style: chr10-18539615-G-C. GRCh37 (hg19) VCF-style: chr10-18828544-G-C.
Other names: c.1709G>C, p.Arg570Pro (NM_000724.4); c.1676G>C, p.Arg559Pro (NM_001167945.2); c.1595G>C, p.Arg532Pro (NM_001330060.2); c.1616G>C, p.Arg539Pro (NM_001410882.1); c.1730G>C, p.Arg577Pro (NM_201570.3); c.1790G>C, p.Arg597Pro (NM_201571.4); c.1718G>C, p.Arg573Pro (NM_201572.4); c.1712G>C, p.Arg571Pro (NM_201590.3); and 2 more; short protein forms R539P, R577P, R597P, R570P, R559P, R532P, R571P, R573P.
Identifiers: ClinVar variation 1778591 (VCV001778591.2), dbSNP rs772911828, ClinGen allele CA5430189.